The following is an entry in ClinVar:

ClinVar aggregate classification (germline): Uncertain significance (1 of 4 stars; one submission).

Conditions:
Hereditary cancer-predisposing syndrome. Also called: Hereditary neoplastic syndrome; Neoplastic Syndromes, Hereditary; Tumor predisposition; Hereditary Cancer Syndrome. Identifiers: Orphanet 140162, MedGen C0027672, MeSH D009386, MONDO:0015356.

Submission:

Ambry Genetics
Classification: Uncertain significance for Hereditary cancer-predisposing syndrome. Last evaluated: 2025-08-24. Review status: criteria provided, single submitter. Criteria: Ambry Variant Classification Scheme 2023. Collection method: clinical testing. Allele origin: germline.
Comment: The p.E446V variant (also known as c.1337A>T), located in coding exon 8 of the PDGFRA gene, results from an A to T substitution at nucleotide position 1337. The glutamic acid at codon 446 is replaced by valine, an amino acid with dissimilar properties. This amino acid position is conserved. In addition, the in silico prediction for this alteration is inconclusive. Based on the available evidence, the clinical significance of this variant remains unclear.

NM_006206.6(PDGFRA):c.1337A>T (p.Glu446Val)

Gene: PDGFRA (platelet derived growth factor receptor alpha; plus strand). Cytogenetic location: 4q12.
Variant type: single nucleotide variant.
Coding change: c.1337A>T on transcript NM_006206.6 (MANE Select); coding-DNA position 1337, A replaced by T.
Protein change: p.Glu446Val; replaces glutamic acid 446 with valine.
Molecular consequence: missense variant.
Genome position (GRCh38, 1-based): chr4:54,272,493, A>T. VCF-style: chr4-54272493-A-T. GRCh37 (hg19) VCF-style: chr4-55138660-A-T.
Other names: c.1337A>T, p.Glu446Val (NM_001347827.2, NM_001347829.2); c.1412A>T, p.Glu471Val (NM_001347828.2); c.1376A>T, p.Glu459Val (NM_001347830.2); short protein forms E471V, E446V, E459V.
Identifiers: ClinVar variation 4134010 (VCV004134010.1).